The following is an entry in ClinVar:

ClinVar aggregate classification (germline): Uncertain significance (1 of 4 stars; one submission).

Conditions:
Inborn genetic diseases. Identifiers: MedGen C0950123, MeSH D030342.

Submission:

Ambry Genetics
Classification: Uncertain significance for Inborn genetic diseases. Last evaluated: 2022-04-29. Review status: criteria provided, single submitter. Criteria: Ambry Variant Classification Scheme 2023. Collection method: clinical testing. Allele origin: germline.
Comment: The p.D1858E variant (also known as c.5574C>A), located in coding exon 38 of the LRRK2 gene, results from a C to A substitution at nucleotide position 5574. The aspartic acid at codon 1858 is replaced by glutamic acid, an amino acid with highly similar properties. This amino acid position is conserved. In addition, the in silico prediction for this alteration is inconclusive. Since supporting evidence is limited at this time, the clinical significance of this alteration remains unclear.

NM_198578.4(LRRK2):c.5574C>A (p.Asp1858Glu)

Gene: LRRK2 (leucine rich repeat kinase 2; plus strand). Cytogenetic location: 12q12.
Variant type: single nucleotide variant.
Coding change: c.5574C>A on transcript NM_198578.4 (MANE Select); coding-DNA position 5574, C replaced by A.
Protein change: p.Asp1858Glu; replaces aspartic acid 1858 with glutamic acid.
Molecular consequence: missense variant.
Genome position (GRCh38, 1-based): chr12:40,323,224, C>A. VCF-style: chr12-40323224-C-A. GRCh37 (hg19) VCF-style: chr12-40717026-C-A.
Other names: short protein forms D1858E.
Identifiers: ClinVar variation 1748382 (VCV001748382.2), dbSNP rs2499889033, ClinGen allele CA384421083.